The following is an entry in ClinVar:

NM_000057.4(BLM):c.2783A>G (p.Asp928Gly)

Gene: BLM (BLM RecQ like helicase; plus strand). Cytogenetic location: 15q26.1.
Variant type: single nucleotide variant.
Coding change: c.2783A>G on transcript NM_000057.4 (MANE Select); coding-DNA position 2783, A replaced by G.
Protein change: p.Asp928Gly; replaces aspartic acid 928 with glycine.
Molecular consequence: missense variant.
Genome position (GRCh38, 1-based): chr15:90,785,041, A>G. VCF-style: chr15-90785041-A-G. GRCh37 (hg19) VCF-style: chr15-91328271-A-G.
Other names: c.2783A>G, p.Asp928Gly (NM_001287246.2, NM_001287247.2); c.1658A>G, p.Asp553Gly (NM_001287248.2); c.2783A>G (NM_000057.2); short protein forms D553G, D928G.
Identifiers: ClinVar variation 966211 (VCV000966211.8), dbSNP rs1896711135, ClinGen allele CA393846102.

ClinVar aggregate classification (germline): Uncertain significance. Review status: criteria provided, multiple submitters, no conflicts (2 of 4 stars). 2 submissions from 2 submitters: Uncertain significance (2). Last evaluated 2023-02-15.

Conditions:
Hereditary cancer-predisposing syndrome. Also called: Hereditary neoplastic syndrome; Neoplastic Syndromes, Hereditary; Hereditary Cancer Syndrome; Tumor predisposition. Identifiers: Orphanet 140162, MedGen C0027672, MeSH D009386, MONDO:0015356.
Bloom syndrome (BLM). Also called: Bloom-Torre-Machacek syndrome. Identifiers: Orphanet 125, MedGen C0005859, MONDO:0008876, OMIM 210900.

Submissions (2):

Ambry Genetics
Classification: Uncertain significance for Hereditary cancer-predisposing syndrome. Last evaluated: 2023-02-15. Review status: criteria provided, single submitter. Criteria: Ambry Variant Classification Scheme 2023. Collection method: clinical testing. Allele origin: germline.
Comment: The p.D928G variant (also known as c.2783A>G), located in coding exon 13 of the BLM gene, results from an A to G substitution at nucleotide position 2783. The aspartic acid at codon 928 is replaced by glycine, an amino acid with similar properties. This amino acid position is conserved. In addition, the in silico prediction for this alteration is inconclusive. Since supporting evidence is limited at this time, the clinical significance of this alteration remains unclear.

Labcorp Genetics (formerly Invitae), Labcorp
Classification: Uncertain significance for Bloom syndrome. Last evaluated: 2021-08-26. Review status: criteria provided, single submitter. Criteria: Invitae Variant Classification Sherloc (09022015). Collection method: clinical testing. Allele origin: germline.
Comment: This sequence change replaces aspartic acid with glycine at codon 928 of the BLM protein (p.Asp928Gly). The aspartic acid residue is moderately conserved and there is a moderate physicochemical difference between aspartic acid and glycine. This variant is not present in population databases (ExAC no frequency). This variant has not been reported in the literature in individuals affected with BLM-related conditions. Algorithms developed to predict the effect of missense changes on protein structure and function are either unavailable or do not agree on the potential impact of this missense change (SIFT: "Tolerated"; PolyPhen-2: "Probably Damaging"; Align-GVGD: "Class C0"). Algorithms developed to predict the effect of sequence changes on RNA splicing suggest that this variant may create or strengthen a splice site. In summary, the available evidence is currently insufficient to determine the role of this variant in disease. Therefore, it has been classified as a Variant of Uncertain Significance.